The following is an entry in ClinVar:

NM_020708.5(SLC12A5):c.401G>A (p.Cys134Tyr)

Gene: SLC12A5 (solute carrier family 12 member 5; plus strand). Cytogenetic location: 20q13.12.
Variant type: single nucleotide variant.
Coding change: c.401G>A on transcript NM_020708.5 (MANE Select); coding-DNA position 401, G replaced by A.
Protein change: p.Cys134Tyr; replaces cysteine 134 with tyrosine.
Molecular consequence: missense variant.
Genome position (GRCh38, 1-based): chr20:46,035,898, G>A. VCF-style: chr20-46035898-G-A. GRCh37 (hg19) VCF-style: chr20-44664537-G-A.
Other names: p.Cys134Tyr; c.470G>A (NM_001134771.1); c.470G>A, p.Cys157Tyr (NM_001134771.2); short protein forms C134Y, C157Y.
Identifiers: ClinVar variation 847847 (VCV000847847.10), dbSNP rs377612895, ClinGen allele CA9887048.

ClinVar aggregate classification (germline): Uncertain significance. Review status: criteria provided, multiple submitters, no conflicts (2 of 4 stars). 3 submissions from 3 submitters: Uncertain significance (3). Last evaluated 2025-05-12.

Conditions:
Developmental and epileptic encephalopathy, 34 (DEE34). Also called: Early infantile epileptic encephalopathy 34; SLC12A5-Related Epilepsy of Infancy with Migrating Focal Seizures. Identifiers: Orphanet 293181, MedGen C4225257, MONDO:0014718, OMIM 616645.

Allele frequency attached by ClinVar (database versions not stated): gnomAD exomes 0.00001 and 0.00009; ExAC 0.00002; TOPMed 0.00003; gnomAD 0.00004; ESP Exome Variant Server 0.00008.
gnomAD v4.1: 129 of 1,613,518 alleles (0.008%); highest among the groups gnomAD compares: Non-Finnish European, 0.011%; no homozygotes.

Submissions (3):

Mayo Clinic Laboratories, Mayo Clinic
Classification: Uncertain significance. Last evaluated: 2025-05-12. Review status: criteria provided, single submitter. Criteria: ACMG Guidelines, 2015. Collection method: clinical testing. Allele origin: germline. Observed: 1 variant allele.

Labcorp Genetics (formerly Invitae), Labcorp
Classification: Uncertain significance for Developmental and epileptic encephalopathy, 34. Last evaluated: 2025-04-28. Review status: criteria provided, single submitter. Criteria: Invitae Variant Classification Sherloc (09022015). Collection method: clinical testing. Allele origin: germline.
Comment: This sequence change replaces cysteine, which is neutral and slightly polar, with tyrosine, which is neutral and polar, at codon 134 of the SLC12A5 protein (p.Cys134Tyr). This variant is present in population databases (rs377612895, gnomAD 0.005%). This variant has not been reported in the literature in individuals affected with SLC12A5-related conditions. ClinVar contains an entry for this variant (Variation ID: 847847). Invitae Evidence Modeling of protein sequence and biophysical properties (such as structural, functional, and spatial information, amino acid conservation, physicochemical variation, residue mobility, and thermodynamic stability) indicates that this missense variant is not expected to disrupt SLC12A5 protein function with a negative predictive value of 80%. In summary, the available evidence is currently insufficient to determine the role of this variant in disease. Therefore, it has been classified as a Variant of Uncertain Significance.

Ambry Genetics
Classification: Uncertain significance. Last evaluated: 2024-10-08. Review status: criteria provided, single submitter. Criteria: Ambry Variant Classification Scheme 2023. Collection method: clinical testing. Allele origin: germline.